The following is an entry in ClinVar:

NM_000492.4(CFTR):c.3161del (p.His1054fs)

Genes: CFTR (CF transmembrane conductance regulator; plus strand), CFTR-AS2 (CFTR antisense RNA 2; minus strand), LOC111674472 (DNase I hypersensitive sites in introns 16 and 17a of CFTR; plus strand). Cytogenetic location: 7q31.2.
Variant type: Deletion.
Coding change: c.3161del on transcript NM_000492.4 (MANE Select); coding-DNA position 3161, one base deleted (A; older notation c.3161delA).
Protein change: p.His1054fs; shifts the reading frame from histidine 1054.
Molecular consequence: frameshift variant.
Genome position (GRCh38, 1-based): chr7:117,611,602, A deleted. VCF-style (leftmost placement, unchanged base first): chr7-117611601-CA-C. GRCh37 (hg19) VCF-style: chr7-117251655-CA-C.
Other names: 3293delA; c.3161delA (NM_000492.3).
Identifiers: ClinVar variation 7221 (VCV000007221.4), dbSNP rs387906377, ClinGen allele CA325607.
Genomic context (GRCh38, chr7:117,611,601, plus strand): 5'-TTATGTTATTTGCAATGTTTTCTATGGAAATATTTCACAGGCAGGAGTCCAATTTTCACT[CA>C]TCTTGTTACAAGCTTAAAAGGACTATGGACACTTCGTGCCTTCGGACGGCAGCCTTACTT-3'

ClinVar aggregate classification (germline): Pathogenic. Review status: criteria provided, multiple submitters, no conflicts (2 of 4 stars). 3 submissions from 3 submitters: Pathogenic (2). 1 of the submissions does not count toward it. Last evaluated 2017-07-12.

Conditions:
Cystic fibrosis (CF). Also called: MUCOVISCIDOSIS. Identifiers: Orphanet 586, MedGen C0010674, MONDO:0009061, OMIM 219700. Disease mechanism: loss of function.

Submissions (3):

Quest Diagnostics Nichols Institute San Juan Capistrano
Classification: Pathogenic. Last evaluated: 2017-07-12. Review status: criteria provided, single submitter. Criteria: Quest Diagnostics criteria. Collection method: clinical testing. Allele origin: germline.

Ambry Genetics
Classification: Pathogenic for Cystic fibrosis. Last evaluated: 2017-06-26. Review status: criteria provided, single submitter. Criteria: Ambry Variant Classification Scheme 2023. Collection method: clinical testing. Allele origin: germline.
Comment: The c.3161delA pathogenic mutation (also known as 3293delA), located in coding exon 20 of the CFTR gene, results from a deletion of one nucleotide at nucleotide position 3161, causing a translational frameshift with a predicted alternate stop codon (p.H1054Lfs*6). This mutation was identified in conjunction with p.F508del in an individual with elevated sweat chloride levels, pancreatic insufficiency, and no chronic lung infections (Ghanem N et al. Genomics, 1994 May;21:434-6). In addition to the clinical data presented in the literature, this alteration is expected to result in loss of function by premature protein truncation or nonsense-mediated mRNA decay. As such, this alteration is interpreted as a disease-causing mutation.

OMIM
Classification: Pathogenic for CYSTIC FIBROSIS. Last evaluated: 1994-05-15. Review status: no assertion criteria provided. Collection method: literature only. Allele origin: germline. Not counted in ClinVar's aggregate classification.

Literature cited by the submitters: PubMed 7522211 (cited by 3 submitters).